The following is an entry in ClinVar:

NM_000487.6(ARSA):c.882C>T (p.Gly294=)

Gene: ARSA (arylsulfatase A; minus strand). Cytogenetic location: 22q13.33.
Variant type: single nucleotide variant.
Coding change: c.882C>T on transcript NM_000487.6 (MANE Select); coding-DNA position 882, C replaced by T.
Protein change: p.Gly294=; no amino-acid change (glycine 294 retained).
Molecular consequence: synonymous variant.
Genome position (GRCh38, 1-based): chr22:50,626,251, G>A on the plus strand (C>T on the coding strand, the complement: ARSA is on the minus strand). VCF-style: chr22-50626251-G-A. GRCh37 (hg19) VCF-style: chr22-51064679-G-A.
Other names: p.Gly294=; c.882C>T, p.Gly294= (NM_001085425.3, NM_001085426.3, NM_001085427.3); c.624C>T, p.Gly208= (NM_001085428.3, NM_001362782.2).
Identifiers: ClinVar variation 1479607 (VCV001479607.8), dbSNP rs772592144, ClinGen allele CA10324887.

ClinVar aggregate classification (germline): Likely benign. Review status: criteria provided, multiple submitters, no conflicts (2 of 4 stars). 2 submissions from 2 submitters: Likely benign (2). Last evaluated 2025-10-20.

Conditions:
Metachromatic leukodystrophy (MLD). Also called: Arylsulfatase A Deficiency; Cerebral sclerosis diffuse metachromatic form; ARSA DEFICIENCY; CEREBROSIDE SULFATASE DEFICIENCY; METACHROMATIC LEUKOENCEPHALOPATHY; SULFATIDE LIPIDOSIS. Identifiers: Orphanet 512, MedGen C0023522, MONDO:0018868, OMIM 250100.

Allele frequency attached by ClinVar (database versions not stated): gnomAD 0.00003; TOPMed 0.00003; gnomAD exomes 0.00004 and 0.00007; ExAC 0.00005.
gnomAD v4.1: 109 of 1,613,330 alleles (0.0068%); highest among the groups gnomAD compares: Non-Finnish European, 0.008%; no homozygotes.

Submissions (3):

Mayo Clinic Laboratories, Mayo Clinic
Classification: Likely benign. Last evaluated: 2025-10-20. Review status: criteria provided, single submitter. Criteria: ACMG Guidelines, 2015. Collection method: clinical testing. Allele origin: germline. Observed: 1 variant allele.
Comment: BP4, BP7

Labcorp Genetics (formerly Invitae), Labcorp
Classification: Likely benign for Metachromatic leukodystrophy. Last evaluated: 2025-06-15. Review status: criteria provided, single submitter. Criteria: Invitae Variant Classification Sherloc (09022015). Collection method: clinical testing. Allele origin: germline.

Dr. Peter K. Rogan Lab, Western University
No classification provided (evidence only). Condition: Nonpapillary renal cell carcinoma. Review status: no classification provided. Collection method: in vitro. Allele origin: not applicable. Functional consequence: skipped exon. Not counted in ClinVar's aggregate classification.